The following is an entry in ClinVar:

ClinVar aggregate classification (germline): Uncertain significance (1 of 4 stars; one submission).

Conditions:
Atrioventricular septal defect 5 (AVSD5). Identifiers: MedGen C3280939, MONDO:0013769, OMIM 614474.

Submission:

Labcorp Genetics (formerly Invitae), Labcorp
Classification: Uncertain significance for Atrioventricular septal defect 5. Last evaluated: 2023-12-14. Review status: criteria provided, single submitter. Criteria: Invitae Variant Classification Sherloc (09022015). Collection method: clinical testing. Allele origin: germline.
Comment: This sequence change replaces serine, which is neutral and polar, with tryptophan, which is neutral and slightly polar, at codon 563 of the GATA6 protein (p.Ser563Trp). This variant is present in population databases (rs759639860, gnomAD 0.002%). This variant has not been reported in the literature in individuals affected with GATA6-related conditions. An algorithm developed to predict the effect of missense changes on protein structure and function (PolyPhen-2) suggests that this variant is likely to be disruptive. In summary, the available evidence is currently insufficient to determine the role of this variant in disease. Therefore, it has been classified as a Variant of Uncertain Significance.

NM_005257.6(GATA6):c.1688C>G (p.Ser563Trp)

Gene: GATA6 (GATA binding protein 6; plus strand). Cytogenetic location: 18q11.2.
Variant type: single nucleotide variant.
Coding change: c.1688C>G on transcript NM_005257.6 (MANE Select); coding-DNA position 1688, C replaced by G.
Protein change: p.Ser563Trp; replaces serine 563 with tryptophan.
Molecular consequence: missense variant.
Genome position (GRCh38, 1-based): chr18:22,200,723, C>G. VCF-style: chr18-22200723-C-G. GRCh37 (hg19) VCF-style: chr18-19780686-C-G.
Other names: short protein forms S563W.
Identifiers: ClinVar variation 2983551 (VCV002983551.3), dbSNP rs759639860, ClinGen allele CA8909069.